The following is an entry in ClinVar:

NM_025136.4(OPA3):c.427del (p.Ala143fs)

Genes: OPA3 (outer mitochondrial membrane lipid metabolism regulator OPA3; minus strand), OPA3-RTN2 (OPA3-RTN2 readthrough; minus strand). Cytogenetic location: 19q13.32.
Variant type: Deletion.
Coding change: c.427del on transcript NM_025136.4 (MANE Select); coding-DNA position 427, one base deleted (G; older notation c.427delG).
Protein change: p.Ala143fs; shifts the reading frame from alanine 143.
Molecular consequence: frameshift variant. On other transcripts: intron variant (1).
Genome position (GRCh38, 1-based): chr19:45,553,627, C deleted on the plus strand (G on the coding strand, the reverse complement: OPA3 is on the minus strand); the first of 2 consecutive C bases (chr19:45,553,627-45,553,628); deleting either gives the same sequence. VCF-style (leftmost placement, unchanged base first): chr19-45553626-GC-G. GRCh37 (hg19) VCF-style: chr19-46056884-GC-G.
Other names: c.143-24171del (NM_001017989.3); short protein forms A143fs.
Identifiers: ClinVar variation 4783992 (VCV004783992.1).

ClinVar aggregate classification (germline): Uncertain significance (1 of 4 stars; one submission).

Conditions:
Optic atrophy 3 (OPA3). Also called: OPTIC ATROPHY 3, AUTOSOMAL DOMINANT; Optic atrophy, cataract, and neurologic disorder; Optic atrophy 3 with cataract. Identifiers: Orphanet 67036, MedGen C1833809, MONDO:0008133, OMIM 165300.
3-Methylglutaconic aciduria type 3 (MGCA3). Also called: OPA3, AUTOSOMAL RECESSIVE; OPTIC ATROPHY 3, AUTOSOMAL RECESSIVE; Costeff Syndrome; OPA3-Related 3-Methylglutaconic Aciduria. Identifiers: Orphanet 67047, MedGen C0574084, MONDO:0009787, OMIM 258501.

Submission:

Labcorp Genetics (formerly Invitae), Labcorp
Classification: Uncertain significance for 3-Methylglutaconic aciduria type 3; Optic atrophy 3. Last evaluated: 2025-02-04. Review status: criteria provided, single submitter. Criteria: Invitae Variant Classification Sherloc (09022015). Collection method: clinical testing. Allele origin: germline.
Comment: This sequence change results in a frameshift in the OPA3 gene (p.Ala143Argfs*45). While this is not anticipated to result in nonsense mediated decay, it is expected to disrupt the last 37 amino acid(s) of the OPA3 protein and extend the protein by 7 additional amino acid residues. This variant is not present in population databases (gnomAD no frequency). This variant has not been reported in the literature in individuals affected with OPA3-related conditions. Experimental studies and prediction algorithms are not available or were not evaluated, and the functional significance of this variant is currently unknown. In summary, the available evidence is currently insufficient to determine the role of this variant in disease. Therefore, it has been classified as a Variant of Uncertain Significance.